The following is an entry in ClinVar:

NM_182961.4(SYNE1):c.148G>A (p.Val50Met)

Gene: SYNE1 (spectrin repeat containing nuclear envelope protein 1; minus strand). Cytogenetic location: 6q25.2.
Variant type: single nucleotide variant.
Coding change: c.148G>A on transcript NM_182961.4 (MANE Select); coding-DNA position 148, G replaced by A.
Protein change: p.Val50Met; replaces valine 50 with methionine.
Molecular consequence: missense variant.
Genome position (GRCh38, 1-based): chr6:152,526,157, C>T on the plus strand (G>A on the coding strand, the complement: SYNE1 is on the minus strand). VCF-style: chr6-152526157-C-T. GRCh37 (hg19) VCF-style: chr6-152847292-C-T.
Other names: c.148G>A, p.Val50Met (NM_033071.5); short protein forms V50M.
Identifiers: ClinVar variation 650118 (VCV000650118.3), dbSNP rs1023433513, ClinGen allele CA150211544.
Genomic context (GRCh38, chr6:152,526,157, plus strand): 5'-GGACCTCCAGAAGGGCAAGCAGTTTAACACCATCTTTCATGTCTTCAAAAAGATCGTCCA[C>T]CACCATTGGAGGTTTCCGCTGTAAAAGCAAAGAGGAATAAGTGCAGAAAATATCTCTTCC-3'
Protein context (NP_892006.3, residues 40-60): HLAKRKPPMV[Val50Met]DDLFEDMKDG

ClinVar aggregate classification (germline): Uncertain significance. Review status: criteria provided, multiple submitters, no conflicts (2 of 4 stars). 3 submissions from 3 submitters: Uncertain significance (3). Last evaluated 2024-08-16.

Conditions:
Emery-Dreifuss muscular dystrophy 4, autosomal dominant (EDMD4). Also called: EMERY-DREIFUSS MUSCULAR DYSTROPHY 4 WITH VARIABLE FEATURES. Identifiers: Orphanet 261, MedGen C2751807, MONDO:0013071, OMIM 612998.
Autosomal recessive ataxia, Beauce type. Also called: Spinocerebellar ataxia, autosomal recessive 8; ATAXIA, RECESSIVE, OF BEAUCE; SYNE1-Related Autosomal Recessive Cerebellar Ataxia; SYNE1 Deficiency. Identifiers: Orphanet 88644, MedGen C1853116, MONDO:0012549, OMIM 610743.

gnomAD v4.1: 3 of 1,614,130 alleles (0.00019%); highest among the groups gnomAD compares: Middle Eastern, 0.016%; no homozygotes.

Submissions (3):

GeneDx
Classification: Uncertain significance. Last evaluated: 2024-08-16. Review status: criteria provided, single submitter. Criteria: GeneDx Variant Classification Process June 2021. Collection method: clinical testing. Allele origin: germline. Affected: yes.
Comment: Not observed at significant frequency in large population cohorts (gnomAD); In silico analysis supports that this missense variant has a deleterious effect on protein structure/function; Has not been previously published as pathogenic or benign to our knowledge

Labcorp Genetics (formerly Invitae), Labcorp
Classification: Uncertain significance for Emery-Dreifuss muscular dystrophy 4, autosomal dominant; Spinocerebellar ataxia, autosomal recessive 8. Last evaluated: 2018-08-29. Review status: criteria provided, single submitter. Criteria: Invitae Variant Classification Sherloc (09022015). Collection method: clinical testing. Allele origin: germline.
Comment: This sequence change replaces valine with methionine at codon 50 of the SYNE1 protein (p.Val50Met). The valine residue is highly conserved and there is a small physicochemical difference between valine and methionine. This variant is not present in population databases (ExAC no frequency). This variant has not been reported in the literature in individuals with SYNE1-related disease. Algorithms developed to predict the effect of missense changes on protein structure and function are either unavailable or do not agree on the potential impact of this missense change (SIFT: "Deleterious"; PolyPhen-2: "Benign"; Align-GVGD: "Class C0"). In summary, the available evidence is currently insufficient to determine the role of this variant in disease. Therefore, it has been classified as a Variant of Uncertain Significance.

Breakthrough Genomics
Classification: Uncertain significance. Review status: criteria provided, single submitter. Criteria: ACMG Guidelines, 2015. Collection method: not provided. Allele origin: germline. Inheritance: Autosomal recessive inheritance. Affected: yes.